The following is an entry in ClinVar:

ClinVar aggregate classification (germline): Uncertain significance (1 of 4 stars; one submission).

Conditions:
NRP1-related disorder. Also called: NRP1-related condition.

Submission:

PreventionGenetics, part of Exact Sciences
Classification: Uncertain significance for NRP1-related condition. Last evaluated: 2026-09-14. Review status: criteria provided, single submitter. Criteria: ACMG Guidelines, 2015. Collection method: clinical testing. Allele origin: germline.
Comment: The NRP1 c.1050G>C variant is predicted to result in the amino acid substitution p.Lys350Asn. To our knowledge, this variant has not been reported in the literature or in a large population database (gnomAD), indicating this variant is rare. At this time, the clinical significance of this variant is uncertain due to the absence of conclusive functional and genetic evidence.

NM_003873.7(NRP1):c.1050G>C (p.Lys350Asn)

Gene: NRP1 (neuropilin 1; minus strand). Cytogenetic location: 10p11.22.
Variant type: single nucleotide variant.
Coding change: c.1050G>C on transcript NM_003873.7 (MANE Select); coding-DNA position 1050, G replaced by C.
Protein change: p.Lys350Asn; replaces lysine 350 with asparagine.
Molecular consequence: missense variant. On other transcripts: non-coding transcript variant (1).
Genome position (GRCh38, 1-based): chr10:33,226,221, C>G on the plus strand (G>C on the coding strand, the complement: NRP1 is on the minus strand). VCF-style: chr10-33226221-C-G. GRCh37 (hg19) VCF-style: chr10-33515149-C-G.
Other names: c.1050G>C, p.Lys350Asn (NM_001024628.3, NM_001024629.3, NM_001244972.2 and 2 more transcripts); short protein forms K350N.
Identifiers: ClinVar variation 4987258 (VCV004987258.1).